The following is an entry in ClinVar:

ClinVar aggregate classification (germline): Pathogenic. Review status: criteria provided, multiple submitters, no conflicts (2 of 4 stars). 2 submissions from 2 submitters: Pathogenic (2). Last evaluated 2024-02-07.

Conditions:
Xeroderma pigmentosum group A (XPA). Also called: XPA-Related Xeroderma Pigmentosum; Xeroderma pigmentosum, complementation group A; XP, group A. Identifiers: Orphanet 910, MedGen C0268135, MONDO:0010210, OMIM 278700.

Submissions (2):

Fulgent Genetics
Classification: Pathogenic for Xeroderma pigmentosum group A. Last evaluated: 2024-02-07. Review status: criteria provided, single submitter. Criteria: ACMG Guidelines, 2015. Collection method: clinical testing. Allele origin: germline.

Labcorp Genetics (formerly Invitae), Labcorp
Classification: Pathogenic. Last evaluated: 2023-06-22. Review status: criteria provided, single submitter. Criteria: Invitae Variant Classification Sherloc (09022015). Collection method: clinical testing. Allele origin: germline.
Comment: This variant is also known as 2 bp del (A468–A469). This premature translational stop signal has been observed in individual(s) with autosomal recessive xeroderma pigmentosum (PMID: 9671271). This variant is not present in population databases (gnomAD no frequency). This sequence change creates a premature translational stop signal (p.Glu159Alafs*4) in the XPA gene. It is expected to result in an absent or disrupted protein product. Loss-of-function variants in XPA are known to be pathogenic (PMID: 27607234). Algorithms developed to predict the effect of sequence changes on RNA splicing suggest that this variant may disrupt the consensus splice site. For these reasons, this variant has been classified as Pathogenic.

Literature cited by the submitters: PubMed 9671271 (cited by Labcorp Genetics (formerly Invitae), Labcorp); PubMed 27607234 (cited by Labcorp Genetics (formerly Invitae), Labcorp).

NM_000380.4(XPA):c.471_472del (p.Glu159fs)

Gene: XPA (XPA, DNA damage recognition and repair factor; minus strand). Cytogenetic location: 9q22.33.
Variant type: Deletion.
Coding change: c.471_472del on transcript NM_000380.4 (MANE Select); coding-DNA positions 471 to 472, 2 bases deleted (AA; older notation c.471_472delAA).
Protein change: p.Glu159fs; shifts the reading frame from glutamic acid 159.
Molecular consequence: frameshift variant. On other transcripts: non-coding transcript variant (4).
Genome position (GRCh38, 1-based): chr9:97,687,179-97,687,180, TT deleted on the plus strand (AA on the coding strand, the reverse complement: XPA is on the minus strand); deleting any 2 consecutive bases within chr9:97,687,179-97,687,184 gives the same sequence; the c. name uses the placement nearest the transcript's 3' end. VCF-style (leftmost placement, unchanged base first): chr9-97687178-CTT-C. GRCh37 (hg19) VCF-style: chr9-100449460-CTT-C.
Other names: c.345_346del, p.Glu117fs (NM_001354975.2); short protein forms E117fs, E159fs.
Identifiers: ClinVar variation 2735303 (VCV002735303.4), dbSNP rs1554701520, ClinGen allele CA2690902369.
Genomic context (GRCh38, chr9:97,687,178, plus strand): 5'-ATATCACCCCATTGTGAATGATGTGGATTCTTCTTCACAATAAATTTAAGAGGTGGCTCT[CTT>C]TTTTCTAAATCACAGTCTTTCAGAAGATATTCTTGTTTTGCCTCTGTTTTGGTTATAAGC-3'